The following is an entry in ClinVar:

NM_000878.5(IL2RB):c.1324A>C (p.Ser442Arg)

Gene: IL2RB (interleukin 2 receptor subunit beta; minus strand). Cytogenetic location: 22q12.3.
Variant type: single nucleotide variant.
Coding change: c.1324A>C on transcript NM_000878.5 (MANE Select); coding-DNA position 1324, A replaced by C.
Protein change: p.Ser442Arg; replaces serine 442 with arginine.
Molecular consequence: missense variant.
Genome position (GRCh38, 1-based): chr22:37,128,428, T>G on the plus strand (A>C on the coding strand, the complement: IL2RB is on the minus strand). VCF-style: chr22-37128428-T-G. GRCh37 (hg19) VCF-style: chr22-37524468-T-G.
Other names: c.1324A>C, p.Ser442Arg (NM_001346222.1, NM_001346223.2); short protein forms S442R.
Identifiers: ClinVar variation 2182003 (VCV002182003.4), dbSNP rs753639868, ClinGen allele CA10216358.
Genomic context (GRCh38, chr22:37,128,428, plus strand): 5'-TTTCTTGCAAAGAAGGGGGCATCCTCTCTTCACCGGCCCCACTGCCCCCAGGGGCAGTGC[T>G]TGGGGGGCTGGGGCCACCGAGGAGACTGGGGGAGAAGAGCAGCAGGTCATCCCTGGAGGG-3'
Protein context (NP_000869.1, residues 432-452): PSLLGGPSPP[Ser442Arg]TAPGGSGAGE

ClinVar aggregate classification (germline): Uncertain significance (1 of 4 stars; one submission).

Allele frequency attached by ClinVar (database versions not stated): ExAC 0.00001.
gnomAD v4.1: 39 of 1,530,640 alleles (0.0025%); highest among the groups gnomAD compares: Non-Finnish European, 0.0034%; no homozygotes.

Submission:

Labcorp Genetics (formerly Invitae), Labcorp
Classification: Uncertain significance. Last evaluated: 2022-10-17. Review status: criteria provided, single submitter. Criteria: Invitae Variant Classification Sherloc (09022015). Collection method: clinical testing. Allele origin: germline.
Comment: In summary, the available evidence is currently insufficient to determine the role of this variant in disease. Therefore, it has been classified as a Variant of Uncertain Significance. Algorithms developed to predict the effect of missense changes on protein structure and function (SIFT, PolyPhen-2, Align-GVGD) all suggest that this variant is likely to be tolerated. This variant has not been reported in the literature in individuals affected with IL2RB-related conditions. This variant is present in population databases (rs753639868, gnomAD 0.001%). This sequence change replaces serine, which is neutral and polar, with arginine, which is basic and polar, at codon 442 of the IL2RB protein (p.Ser442Arg).